The following is an entry in ClinVar:

ClinVar aggregate classification (germline): Uncertain significance (1 of 4 stars; one submission).

Conditions:
Hereditary cancer-predisposing syndrome. Also called: Hereditary Cancer Syndrome; Neoplastic Syndromes, Hereditary; Tumor predisposition; Hereditary neoplastic syndrome. Identifiers: Orphanet 140162, MedGen C0027672, MeSH D009386, MONDO:0015356.

Allele frequency attached by ClinVar (database versions not stated): gnomAD exomes below 0.00001.
gnomAD v4.1: 1 of 1,613,772 alleles (0.000062%); highest among the groups gnomAD compares: Non-Finnish European, 0.000085%; no homozygotes.

Submission:

Color Diagnostics, LLC DBA Color Health
Classification: Uncertain significance for Hereditary cancer-predisposing syndrome. Last evaluated: 2023-12-05. Review status: criteria provided, single submitter. Criteria: ACMG Guidelines, 2015. Collection method: clinical testing. Allele origin: germline.
Comment: This missense variant replaces methionine with lysine at codon 425 of the BRIP1 protein. Computational prediction is inconclusive regarding the impact of this variant on protein structure and function (internally defined REVEL score threshold 0.5 < inconclusive < 0.7, PMID: 27666373). To our knowledge, functional studies have not been reported for this variant. This variant has not been reported in individuals affected with BRIP1-related disorders in the literature. This variant has not been identified in the general population by the Genome Aggregation Database (gnomAD). The available evidence is insufficient to determine the role of this variant in disease conclusively. Therefore, this variant is classified as a Variant of Uncertain Significance.

NM_032043.3(BRIP1):c.1274T>A (p.Met425Lys)

Gene: BRIP1 (BRCA1 interacting DNA helicase 1; minus strand). Cytogenetic location: 17q23.2.
Variant type: single nucleotide variant.
Coding change: c.1274T>A on transcript NM_032043.3 (MANE Select); coding-DNA position 1274, T replaced by A.
Protein change: p.Met425Lys; replaces methionine 425 with lysine.
Molecular consequence: missense variant.
Genome position (GRCh38, 1-based): chr17:61,799,166, A>T on the plus strand (T>A on the coding strand, the complement: BRIP1 is on the minus strand). VCF-style: chr17-61799166-A-T. GRCh37 (hg19) VCF-style: chr17-59876527-A-T.
Other names: short protein forms M425K.
Identifiers: ClinVar variation 489807 (VCV000489807.6), dbSNP rs1555607090, ClinGen allele CA400483553.